The following is an entry in ClinVar:

ClinVar aggregate classification (germline): Uncertain significance (1 of 4 stars; one submission).

gnomAD v4.1: 6 of 1,467,484 alleles (0.00041%); highest among the groups gnomAD compares: African/African-American, 0.0014%; no homozygotes.

Submission:

Labcorp Genetics (formerly Invitae), Labcorp
Classification: Uncertain significance. Last evaluated: 2025-12-03. Review status: criteria provided, single submitter. Criteria: Invitae Variant Classification Sherloc (09022015). Collection method: clinical testing. Allele origin: germline.
Comment: This sequence change replaces glutamic acid, which is acidic and polar, with lysine, which is basic and polar, at codon 698 of the IFT88 protein (p.Glu698Lys). This variant is not present in population databases (gnomAD no frequency). This variant has not been reported in the literature in individuals affected with IFT88-related conditions. An algorithm developed to predict the effect of missense changes on protein structure and function (PolyPhen-2) suggests that this variant is likely to be tolerated. In summary, the available evidence is currently insufficient to determine the role of this variant in disease. Therefore, it has been classified as a Variant of Uncertain Significance.

NM_006531.5(IFT88):c.2065G>A (p.Glu689Lys)

Gene: IFT88 (intraflagellar transport 88; plus strand). Cytogenetic location: 13q12.11.
Variant type: single nucleotide variant.
Coding change: c.2065G>A on transcript NM_006531.5 (MANE Select); coding-DNA position 2065, G replaced by A.
Protein change: p.Glu689Lys; replaces glutamic acid 689 with lysine.
Molecular consequence: missense variant. On other transcripts: non-coding transcript variant (5).
Genome position (GRCh38, 1-based): chr13:20,656,427, G>A. VCF-style: chr13-20656427-G-A. GRCh37 (hg19) VCF-style: chr13-21230566-G-A.
Other names: c.2008G>A, p.Glu670Lys (NM_001318491.2, NM_001353575.2); c.2092G>A, p.Glu698Lys (NM_001318493.2, NM_001353565.2, NM_001353566.2 and 2 more transcripts); c.2065G>A, p.Glu689Lys (NM_001353568.2, NM_001353572.2); c.1990G>A, p.Glu664Lys (NM_001353569.2, NM_001353570.2, NM_001353576.2 and 1 more transcripts); c.1963G>A, p.Glu655Lys (NM_001353571.2, NM_001353578.2); c.1921G>A, p.Glu641Lys (NM_001353573.2); c.1906G>A, p.Glu636Lys (NM_001353574.2); c.1432G>A, p.Glu478Lys (NM_001353579.2); short protein forms E636K, E670K, E689K, E641K, E478K, E698K, E655K, E664K.
Identifiers: ClinVar variation 4692914 (VCV004692914.1).